The following is an entry in ClinVar:

ClinVar aggregate classification (germline): Uncertain significance (1 of 4 stars; one submission).

Conditions:
Neonatal-onset encephalopathy with rigidity and seizures. Also called: Lethal neonatal spasticity-epileptic encephalopathy syndrome. Identifiers: Orphanet 435845, MedGen C3281029, MONDO:0013784, OMIM 614498.

Allele frequency attached by ClinVar (database versions not stated): gnomAD exomes below 0.00001.
gnomAD v4.1: 6 of 1,598,446 alleles (0.00038%); highest among the groups gnomAD compares: East Asian, 0.0022%; no homozygotes.

Submission:

Labcorp Genetics (formerly Invitae), Labcorp
Classification: Uncertain significance for Neonatal-onset encephalopathy with rigidity and seizures. Last evaluated: 2021-09-01. Review status: criteria provided, single submitter. Criteria: Invitae Variant Classification Sherloc (09022015). Collection method: clinical testing. Allele origin: germline.
Comment: This sequence change replaces arginine with glutamine at codon 609 of the BRAT1 protein (p.Arg609Gln). The arginine residue is highly conserved and there is a small physicochemical difference between arginine and glutamine. This variant is not present in population databases (ExAC no frequency). This variant has not been reported in the literature in individuals affected with BRAT1-related conditions. Algorithms developed to predict the effect of missense changes on protein structure and function (SIFT, PolyPhen-2, Align-GVGD) all suggest that this variant is likely to be disruptive. Algorithms developed to predict the effect of sequence changes on RNA splicing suggest that this variant may create or strengthen a splice site. In summary, the available evidence is currently insufficient to determine the role of this variant in disease. Therefore, it has been classified as a Variant of Uncertain Significance.

NM_152743.4(BRAT1):c.1826G>A (p.Arg609Gln)

Gene: BRAT1 (BRCA1 associated ATM activator 1; minus strand). Cytogenetic location: 7p22.3.
Variant type: single nucleotide variant.
Coding change: c.1826G>A on transcript NM_152743.4 (MANE Select); coding-DNA position 1826, G replaced by A.
Protein change: p.Arg609Gln; replaces arginine 609 with glutamine.
Molecular consequence: missense variant. On other transcripts: non-coding transcript variant (1).
Genome position (GRCh38, 1-based): chr7:2,538,709, C>T on the plus strand (G>A on the coding strand, the complement: BRAT1 is on the minus strand). VCF-style: chr7-2538709-C-T. GRCh37 (hg19) VCF-style: chr7-2578343-C-T.
Other names: c.2006G>A, p.Arg669Gln (NM_001350626.2); c.1301G>A, p.Arg434Gln (NM_001350627.2); short protein forms R434Q, R609Q, R669Q.
Identifiers: ClinVar variation 1023727 (VCV001023727.2), dbSNP rs1406194043, ClinGen allele CA366625563.
Genomic context (GRCh38, chr7:2,538,709, plus strand): 5'-TGGGCCGCGTCGGCGTGGCCGTCCCGCAGCCACTCAGTGAAGACTTGCATGACCGCCCGC[C>T]GTGGGAAGCCCTCCGAGTCTACGGAGAGGATGTGCAGGAGCTCCAGGAACAGGCTCTGGG-3'
Protein context (NP_689956.2, residues 599-619): ILSVDSEGFP[Arg609Gln]RAVMQVFTEW